The following is an entry in ClinVar:

ClinVar aggregate classification (germline): Uncertain significance (1 of 4 stars; one submission).

Submission:

Labcorp Genetics (formerly Invitae), Labcorp
Classification: Uncertain significance. Last evaluated: 2022-10-14. Review status: criteria provided, single submitter. Criteria: Invitae Variant Classification Sherloc (09022015). Collection method: clinical testing. Allele origin: germline.
Comment: A gross deletion of the genomic region encompassing the full coding sequence of the CTNNA1 gene has been identified. The current clinical and genetic evidence is not sufficient to establish whether loss-of-function variants in CTNNA1 cause disease. The boundaries of this event are unknown as they extend beyond the assayed region for this gene and therefore may encompass additional genes. This variant has not been reported in the literature in individuals affected with CTNNA1-related conditions. In summary, the available evidence is currently insufficient to determine the role of this variant in disease. Therefore, it has been classified as a Variant of Uncertain Significance.

NC_000005.9:g.(?_138117614)_(138269778_?)del

Genes: CTNNA1 (catenin alpha 1; plus strand), LRRTM2 (leucine rich repeat transmembrane neuronal 2; minus strand). Cytogenetic location: 5q31.2.
Variant type: Deletion.
Identifiers: ClinVar variation 2424309 (VCV002424309.3).